The following is an entry in ClinVar:

NM_006767.4(LZTR1):c.577_592del (p.Tyr193fs)

Gene: LZTR1 (leucine zipper like post translational regulator 1; plus strand). Cytogenetic location: 22q11.21.
Variant type: Deletion.
Coding change: c.577_592del on transcript NM_006767.4 (MANE Select); coding-DNA positions 577 to 592, 16 bases deleted (TATGACGGCAACGCCA).
Protein change: p.Tyr193fs; shifts the reading frame from tyrosine 193.
Molecular consequence: frameshift variant.
Genome position (GRCh38, 1-based): chr22:20,988,856-20,988,871, TATGACGGCAACGCCA deleted. VCF-style (leftmost placement, unchanged base first): chr22-20988855-CTATGACGGCAACGCCA-C. GRCh37 (hg19) VCF-style: chr22-21343144-CTATGACGGCAACGCCA-C.
Other names: short protein forms Y193fs.
Identifiers: ClinVar variation 4718641 (VCV004718641.1).
Genomic context (GRCh38, chr22:20,988,855, plus strand): 5'-AGTCGCTAGGTCAGCCCATGGGGCCACGGTGTACAGTGACAAGCTGTGGATCTTTGCTGG[CTATGACGGCAACGCCA>C]GGTGGGTGGTGGTCCGGCCTGTGCACCCCACCTCCGACAGCACTGAGACCCGGAGCAGGC-3'

ClinVar aggregate classification (germline): Pathogenic (1 of 4 stars; one submission).

Submission:

Labcorp Genetics (formerly Invitae), Labcorp
Classification: Pathogenic. Last evaluated: 2025-04-30. Review status: criteria provided, single submitter. Criteria: Invitae Variant Classification Sherloc (09022015). Collection method: clinical testing. Allele origin: germline.
Comment: This sequence change creates a premature translational stop signal (p.Tyr193Glyfs*2) in the LZTR1 gene. It is expected to result in an absent or disrupted protein product. Loss-of-function variants in LZTR1 are known to be pathogenic (PMID: 24362817, 25335493, 25480913, 25795793, 29469822, 30368668, 30442762, 30442766, 30481304, 30859559). This variant is not present in population databases (gnomAD no frequency). This variant has not been reported in the literature in individuals affected with LZTR1-related conditions. For these reasons, this variant has been classified as Pathogenic.

Literature cited by the submitters: PubMed 24362817; PubMed 25335493; PubMed 25480913; PubMed 25795793; PubMed 29469822; PubMed 30368668; PubMed 30442762; PubMed 30442766; PubMed 30481304; PubMed 30859559.